The following is an entry in ClinVar:

ClinVar aggregate classification (germline): Benign/Likely benign. Review status: criteria provided, multiple submitters, no conflicts (2 of 4 stars). 4 submissions from 4 submitters: Benign (1); Likely benign (3). Last evaluated 2025-02-06.

Conditions:
Hereditary cancer-predisposing syndrome. Also called: Hereditary neoplastic syndrome; Tumor predisposition; Neoplastic Syndromes, Hereditary; Hereditary Cancer Syndrome. Identifiers: Orphanet 140162, MedGen C0027672, MeSH D009386, MONDO:0015356.
POLD1-related polyposis and colorectal cancer syndrome (CRCS10). Also called: Colorectal cancer 10; COLORECTAL CANCER, SUSCEPTIBILITY TO, ON CHROMOSOME 19q; Colorectal cancer, susceptibility to, 10. Identifiers: Orphanet 220460, MedGen C2675481, MONDO:0012953, OMIM 612591.

gnomAD v4.1: 2 of 1,602,964 alleles (0.00012%); highest among the groups gnomAD compares: Admixed American, 0.0035%; no homozygotes.

Submissions (4):

Myriad Genetics, Inc.
Classification: Benign for POLD1-related polyposis and colorectal cancer syndrome. Last evaluated: 2025-02-06. Review status: criteria provided, single submitter. Criteria: Myriad Autosomal Dominant, Autosomal Recessive and X-Linked Classification Criteria (2023). Collection method: clinical testing. Allele origin: unknown.
Comment: This variant is considered benign. This variant is a silent/synonymous amino acid change and it is not expected to impact splicing.

Ambry Genetics
Classification: Likely benign for Hereditary cancer-predisposing syndrome. Last evaluated: 2024-03-09. Review status: criteria provided, single submitter. Criteria: Ambry Variant Classification Scheme 2023. Collection method: clinical testing. Allele origin: germline.

Labcorp Genetics (formerly Invitae), Labcorp
Classification: Likely benign for POLD1-related polyposis and colorectal cancer syndrome. Last evaluated: 2023-12-19. Review status: criteria provided, single submitter. Criteria: Invitae Variant Classification Sherloc (09022015). Collection method: clinical testing. Allele origin: germline.

Women's Health and Genetics/Laboratory Corporation of America, LabCorp
Classification: Likely benign. Last evaluated: 2019-07-13. Review status: criteria provided, single submitter. Criteria: LabCorp Variant Classification Summary - May 2015. Collection method: clinical testing. Allele origin: germline.

NM_002691.4(POLD1):c.1395G>A (p.Arg465=)

Gene: POLD1 (DNA polymerase delta 1, catalytic subunit; plus strand). Cytogenetic location: 19q13.33.
Variant type: single nucleotide variant.
Coding change: c.1395G>A on transcript NM_002691.4 (MANE Select); coding-DNA position 1395, G replaced by A.
Protein change: p.Arg465=; no amino-acid change (arginine 465 retained).
Molecular consequence: synonymous variant. On other transcripts: non-coding transcript variant (1).
Genome position (GRCh38, 1-based): chr19:50,406,418, G>A. VCF-style: chr19-50406418-G-A. GRCh37 (hg19) VCF-style: chr19-50909675-G-A.
Other names: c.1395G>A, p.Arg465= (NM_001256849.1, NM_001308632.1).
Identifiers: ClinVar variation 928971 (VCV000928971.11), dbSNP rs2038884888, ClinGen allele CA508304853.